The following is an entry in ClinVar:

ClinVar aggregate classification (germline): Pathogenic. Review status: criteria provided, single submitter (1 of 4 stars). 2 submissions from 2 submitters: Pathogenic (1). 1 of the submissions does not count toward it. Last evaluated 2024-11-13.

Conditions:
Alexander disease (ALXDRD). Also called: Alexander's disease. Identifiers: Orphanet 58, MedGen C0270726, MONDO:0008752, OMIM 203450.

Submissions (2):

Victorian Clinical Genetics Services, Murdoch Childrens Research Institute
Classification: Pathogenic for Alexander disease. Last evaluated: 2024-11-13. Review status: criteria provided, single submitter. Criteria: ACMG Guidelines, 2015. Collection method: clinical testing. Allele origin: germline. Affected: yes.
Comment: This variant is classified as Pathogenic. Evidence in support of pathogenic classification: Variant is absent from gnomAD (v2, v3 and v4); This variant has strong previous evidence of pathogenicity in unrelated individuals. This variant has been reported as de novo in at least two unrelated individuals with Alexander disease (PMID: 17805552, 25422405); Missense variant consistently predicted to be damaging by an in silico tool or highly conserved with a major amino acid change; Additional information: Variant is predicted to result in a missense amino acid change from alanine to proline; This variant is heterozygous; This gene is associated with autosomal dominant disease; Multiple alternative amino acid changes at the same position have been observed in gnomAD (v4; highest allele frequency: 1 heterozygote(s), 0 homozygote(s)); Dominant negative and gain of function are suggested as mechanisms of disease in this gene and are associated with Alexander disease (MIM#203450). Functional studies have demonstrated both dominant negative and gain of function are possible mechanisms of disease; however, the latter is the most widely accepted mechanism (OMIM, PMID: 11138011, 30355500, 31484723); Variants in this gene are known to have variable expressivity (PMID: 20301351).

GeneReviews
No classification provided. Condition: Alexander disease. Review status: no classification provided. Collection method: literature only. Allele origin: germline. Affected: yes. Not counted in ClinVar's aggregate classification.

Literature cited by the submitters: PubMed 11138011 (cited by Victorian Clinical Genetics Services, Murdoch Childrens Research Institute); PubMed 31484723 (cited by Victorian Clinical Genetics Services, Murdoch Childrens Research Institute); PubMed 25422405 (cited by Victorian Clinical Genetics Services, Murdoch Childrens Research Institute); PubMed 17805552 (cited by Victorian Clinical Genetics Services, Murdoch Childrens Research Institute and GeneReviews); PubMed 20301351 (cited by Victorian Clinical Genetics Services, Murdoch Childrens Research Institute); PubMed 30355500 (cited by Victorian Clinical Genetics Services, Murdoch Childrens Research Institute); NCBI Bookshelf NBK1172 (cited by GeneReviews).

NM_002055.5(GFAP):c.799G>C (p.Ala267Pro)

Gene: GFAP (glial fibrillary acidic protein; minus strand). Cytogenetic location: 17q21.31.
Variant type: single nucleotide variant.
Coding change: c.799G>C on transcript NM_002055.5 (MANE Select); coding-DNA position 799, G replaced by C.
Protein change: p.Ala267Pro; replaces alanine 267 with proline.
Molecular consequence: missense variant.
Genome position (GRCh38, 1-based): chr17:44,911,779, C>G on the plus strand (G>C on the coding strand, the complement: GFAP is on the minus strand). VCF-style: chr17-44911779-C-G. GRCh37 (hg19) VCF-style: chr17-42989147-C-G.
Other names: c.799G>C, p.Ala267Pro (NM_001131019.3, NM_001242376.3, NM_001363846.2); short protein forms A267P.
Identifiers: ClinVar variation 190348 (VCV000190348.5), dbSNP rs797044581, ClinGen allele CA347209.